The following is an entry in ClinVar:

ClinVar aggregate classification (germline): Uncertain significance. Review status: criteria provided, multiple submitters, no conflicts (2 of 4 stars). 2 submissions from 2 submitters: Uncertain significance (2). Last evaluated 2024-11-01.

Conditions:
Charcot-Marie-Tooth disease type 2E (CMT2E). Also called: CHARCOT-MARIE-TOOTH DISEASE, AXONAL, TYPE 2E; CHARCOT-MARIE-TOOTH NEUROPATHY, TYPE 2E. Identifiers: Orphanet 99939, MedGen C1843225, MONDO:0011894, OMIM 607684.

Allele frequency attached by ClinVar (database versions not stated): gnomAD exomes 0.00001; TOPMed 0.00001.

Submissions (2):

CeGaT Center for Human Genetics Tuebingen
Classification: Uncertain significance. Last evaluated: 2024-11-01. Review status: criteria provided, single submitter. Criteria: CeGaT Center For Human Genetics Tuebingen Variant Classification Criteria Version 2. Collection method: clinical testing. Allele origin: germline. Affected: yes. Observed: 1 variant allele.
Comment: NEFL: PM2

Labcorp Genetics (formerly Invitae), Labcorp
Classification: Uncertain significance for Charcot-Marie-Tooth disease type 2E. Last evaluated: 2022-05-08. Review status: criteria provided, single submitter. Criteria: Invitae Variant Classification Sherloc (09022015). Collection method: clinical testing. Allele origin: germline.
Comment: In summary, the available evidence is currently insufficient to determine the role of this variant in disease. Therefore, it has been classified as a Variant of Uncertain Significance. ClinVar contains an entry for this variant (Variation ID: 651468). This variant has not been reported in the literature in individuals affected with NEFL-related conditions. This variant is present in population databases (no rsID available, gnomAD 0.0009%). This sequence change replaces serine, which is neutral and polar, with cysteine, which is neutral and slightly polar, at codon 431 of the NEFL protein (p.Ser431Cys).

NM_006158.5(NEFL):c.1292C>G (p.Ser431Cys)

Gene: NEFL (neurofilament light chain; minus strand). Cytogenetic location: 8p21.2.
Variant type: single nucleotide variant.
Coding change: c.1292C>G on transcript NM_006158.5 (MANE Select); coding-DNA position 1292, C replaced by G.
Protein change: p.Ser431Cys; replaces serine 431 with cysteine.
Molecular consequence: missense variant.
Genome position (GRCh38, 1-based): chr8:24,953,673, G>C on the plus strand (C>G on the coding strand, the complement: NEFL is on the minus strand). VCF-style: chr8-24953673-G-C. GRCh37 (hg19) VCF-style: chr8-24811187-G-C.
Other names: short protein forms S431C.
Identifiers: ClinVar variation 651468 (VCV000651468.19), dbSNP rs559215942, ClinGen allele CA370620244.
Genomic context (GRCh38, chr8:24,953,673, plus strand): 5'-TGCTCCTCTTGGACATGGCTGGTGTAGTAGGACGGGAAGGAGCGGGTGGACATCAGATAG[G>C]AGCTGGTCTGTAAACCGCCGTAGGCAGATCGGCCAAAGACCTGGGAGCTCTGGGAGTAGC-3'
Protein context (NP_006149.2, residues 421-441): RSAYGGLQTS[Ser431Cys]YLMSTRSFPS